The following is an entry in ClinVar:

ClinVar aggregate classification (germline): Uncertain significance (1 of 4 stars; one submission).

Conditions:
Hypertrophic cardiomyopathy 14. Identifiers: MedGen C2750467, MONDO:0013197, OMIM 613251.

Submission:

Labcorp Genetics (formerly Invitae), Labcorp
Classification: Uncertain significance for Hypertrophic cardiomyopathy 14. Last evaluated: 2023-01-22. Review status: criteria provided, single submitter. Criteria: Invitae Variant Classification Sherloc (09022015). Collection method: clinical testing. Allele origin: germline.
Comment: In summary, the available evidence is currently insufficient to determine the role of this variant in disease. Therefore, it has been classified as a Variant of Uncertain Significance. Advanced modeling of protein sequence and biophysical properties (such as structural, functional, and spatial information, amino acid conservation, physicochemical variation, residue mobility, and thermodynamic stability) performed at Invitae indicates that this missense variant is not expected to disrupt MYH6 protein function. This variant has not been reported in the literature in individuals affected with MYH6-related conditions. This variant is not present in population databases (gnomAD no frequency). This sequence change replaces alanine, which is neutral and non-polar, with serine, which is neutral and polar, at codon 356 of the MYH6 protein (p.Ala356Ser).

NM_002471.4(MYH6):c.1066G>T (p.Ala356Ser)

Gene: MYH6 (myosin heavy chain 6; minus strand). Cytogenetic location: 14q11.2.
Variant type: single nucleotide variant.
Coding change: c.1066G>T on transcript NM_002471.4 (MANE Select); coding-DNA position 1066, G replaced by T.
Protein change: p.Ala356Ser; replaces alanine 356 with serine.
Molecular consequence: missense variant.
Genome position (GRCh38, 1-based): chr14:23,402,539, C>A on the plus strand (G>T on the coding strand, the complement: MYH6 is on the minus strand). VCF-style: chr14-23402539-C-A. GRCh37 (hg19) VCF-style: chr14-23871748-C-A.
Other names: short protein forms A356S.
Identifiers: ClinVar variation 2892810 (VCV002892810.3), dbSNP rs2502197481, ClinGen allele CA389026193.